The following is an entry in ClinVar:

ClinVar aggregate classification (germline): Uncertain significance. Review status: criteria provided, multiple submitters, no conflicts (2 of 4 stars). 3 submissions from 3 submitters: Uncertain significance (3). Last evaluated 2025-08-21.

Conditions:
Autosomal recessive polycystic kidney disease (ARPKD). Also called: AR polycystic kidney disease. Identifiers: Orphanet 731, Orphanet 8378, MedGen C0085548, MeSH D017044, MONDO:0009889.
Polycystic kidney disease 4 (PKD4). Also called: POLYCYSTIC KIDNEY AND HEPATIC DISEASE 1; POLYCYSTIC KIDNEY DISEASE, INFANTILE, TYPE I; PKD3; POLYCYSTIC KIDNEY DISEASE 4 WITH OR WITHOUT POLYCYSTIC LIVER DISEASE; Autosomal Recessive Polycystic Kidney Disease – PKHD1. Identifiers: MedGen C4540575, MONDO:0033004, OMIM 263200.
Inborn genetic diseases. Identifiers: MedGen C0950123, MeSH D030342.

Allele frequency attached by ClinVar (database versions not stated): TOPMed below 0.00001; gnomAD 0.00002.
gnomAD v4.1: 5 of 1,613,122 alleles (0.00031%); highest among the groups gnomAD compares: African/African-American, 0.0067%; no homozygotes.

Submissions (3):

Ambry Genetics
Classification: Uncertain significance for Inborn genetic diseases. Last evaluated: 2025-08-21. Review status: criteria provided, single submitter. Criteria: Ambry Variant Classification Scheme 2023. Collection method: clinical testing. Allele origin: germline.

Labcorp Genetics (formerly Invitae), Labcorp
Classification: Uncertain significance for Autosomal recessive polycystic kidney disease. Last evaluated: 2025-06-18. Review status: criteria provided, single submitter. Criteria: Invitae Variant Classification Sherloc (09022015). Collection method: clinical testing. Allele origin: germline.
Comment: This sequence change replaces alanine, which is neutral and non-polar, with aspartic acid, which is acidic and polar, at codon 2057 of the PKHD1 protein (p.Ala2057Asp). This variant is present in population databases (no rsID available, gnomAD 0.02%). This variant has not been reported in the literature in individuals affected with PKHD1-related conditions. ClinVar contains an entry for this variant (Variation ID: 2052692). Invitae Evidence Modeling of protein sequence and biophysical properties (such as structural, functional, and spatial information, amino acid conservation, physicochemical variation, residue mobility, and thermodynamic stability) indicates that this missense variant is expected to disrupt PKHD1 protein function with a positive predictive value of 95%. In summary, the available evidence is currently insufficient to determine the role of this variant in disease. Therefore, it has been classified as a Variant of Uncertain Significance.

Fulgent Genetics
Classification: Uncertain significance for Polycystic kidney disease 4. Last evaluated: 2024-02-08. Review status: criteria provided, single submitter. Criteria: ACMG Guidelines, 2015. Collection method: clinical testing. Allele origin: germline.

NM_138694.4(PKHD1):c.6170C>A (p.Ala2057Asp)

Gene: PKHD1 (PKHD1 ciliary IPT domain containing fibrocystin/polyductin; minus strand). Cytogenetic location: 6p12.2.
Variant type: single nucleotide variant.
Coding change: c.6170C>A on transcript NM_138694.4 (MANE Select); coding-DNA position 6170, C replaced by A.
Protein change: p.Ala2057Asp; replaces alanine 2057 with aspartic acid.
Molecular consequence: missense variant.
Genome position (GRCh38, 1-based): chr6:51,912,528, G>T on the plus strand (C>A on the coding strand, the complement: PKHD1 is on the minus strand). VCF-style: chr6-51912528-G-T. GRCh37 (hg19) VCF-style: chr6-51777326-G-T.
Other names: c.6170C>A (NM_138694.3); c.6170C>A, p.Ala2057Asp (NM_170724.3); short protein forms A2057D.
Identifiers: ClinVar variation 2052692 (VCV002052692.4), dbSNP rs1004474519, ClinGen allele CA138910857.